The following is an entry in ClinVar:

ClinVar aggregate classification (germline): Uncertain significance (1 of 4 stars; one submission).

Conditions:
PSKH1-related condition.

gnomAD v4.1: 397 of 1,613,730 alleles (0.025%); highest among the groups gnomAD compares: Non-Finnish European, 0.032%; 1 homozygote.

Submission:

PreventionGenetics, part of Exact Sciences
Classification: Uncertain significance for PSKH1-related condition. Last evaluated: 2026-07-20. Review status: criteria provided, single submitter. Criteria: ACMG Guidelines, 2015. Collection method: clinical testing. Allele origin: germline.
Comment: The PSKH1 c.197C>T variant is predicted to result in the amino acid substitution p.Pro66Leu. To our knowledge, this variant has not been reported in the literature. This variant is reported in 0.044% of alleles in individuals of African descent in gnomAD. At this time, the clinical significance of this variant is uncertain due to the absence of conclusive functional and genetic evidence.

NM_006742.3(PSKH1):c.197C>T (p.Pro66Leu)

Gene: PSKH1 (protein serine kinase H1; plus strand). Cytogenetic location: 16q22.1.
Variant type: single nucleotide variant.
Coding change: c.197C>T on transcript NM_006742.3 (MANE Select); coding-DNA position 197, C replaced by T.
Protein change: p.Pro66Leu; replaces proline 66 with leucine.
Molecular consequence: missense variant.
Genome position (GRCh38, 1-based): chr16:67,908,946, C>T. VCF-style: chr16-67908946-C-T. GRCh37 (hg19) VCF-style: chr16-67942849-C-T.
Other names: short protein forms P66L.
Identifiers: ClinVar variation 4979068 (VCV004979068.1).